The following is an entry in ClinVar:

NM_001852.4(COL9A2):c.304-13G>A

Gene: COL9A2 (collagen type IX alpha 2 chain; minus strand). Cytogenetic location: 1p34.2.
Variant type: single nucleotide variant.
Coding change: c.304-13G>A on transcript NM_001852.4 (MANE Select); 13 bases into the intron before coding-DNA position 304, G replaced by A.
Molecular consequence: intron variant.
Genome position (GRCh38, 1-based): chr1:40,312,622, C>T on the plus strand (G>A on the coding strand, the complement: COL9A2 is on the minus strand). VCF-style: chr1-40312622-C-T. GRCh37 (hg19) VCF-style: chr1-40778294-C-T.
Identifiers: ClinVar variation 297310 (VCV000297310.16), dbSNP rs200032742, ClinGen allele CA792022.

ClinVar aggregate classification (germline): Benign/Likely benign. Review status: criteria provided, multiple submitters, no conflicts (2 of 4 stars). 4 submissions from 4 submitters: Benign (3); Likely benign (1). Last evaluated 2026-02-01.

Conditions:
Epiphyseal dysplasia, multiple, 2 (EDM2). Also called: COL9A2-Related Multiple Epiphyseal Dysplasia. Identifiers: MedGen C1838429, MONDO:0010844, OMIM 600204.

Allele frequency attached by ClinVar (database versions not stated): gnomAD 0.00016 and 0.00021; TOPMed 0.00028; 1000 Genomes Project 30x 0.00109; 1000 Genomes Project 0.00120.
gnomAD v4.1: 305 of 1,613,860 alleles (0.019%); highest among the groups gnomAD compares: East Asian, 0.59%; 1 homozygote.

Submissions (4):

Labcorp Genetics (formerly Invitae), Labcorp
Classification: Benign. Last evaluated: 2026-02-01. Review status: criteria provided, single submitter. Criteria: Invitae Variant Classification Sherloc (09022015). Collection method: clinical testing. Allele origin: germline.

Blueprint Genetics
Classification: Likely benign. Last evaluated: 2024-10-28. Review status: criteria provided, single submitter. Criteria: ACMG Guidelines, 2015. Collection method: clinical testing. Allele origin: germline.

Illumina Laboratory Services, Illumina
Classification: Benign for Epiphyseal dysplasia, multiple, 2. Last evaluated: 2018-01-13. Review status: criteria provided, single submitter. Criteria: ICSL Variant Classification Criteria 13 December 2019. Collection method: clinical testing. Allele origin: germline.
Comment: This variant was observed in the ICSL laboratory as part of a predisposition screen in an ostensibly healthy population. It had not been previously curated by ICSL or reported in the Human Gene Mutation Database (HGMD: prior to June 1st, 2018), and was therefore a candidate for classification through an automated scoring system. Utilizing variant allele frequency, disease prevalence and penetrance estimates, and inheritance mode, an automated score was calculated to assess if this variant is too frequent to cause the disease. Based on the score and internal cut-off values, a variant classified as benign is not then subjected to further curation. The score for this variant resulted in a classification of benign for this disease.

Breakthrough Genomics
Classification: Benign. Review status: criteria provided, single submitter. Criteria: ACMG Guidelines, 2015. Collection method: not provided. Allele origin: germline. Inheritance: Autosomal recessive inheritance. Affected: yes.